The following is an entry in ClinVar:

NM_006949.4(STXBP2):c.799G>A (p.Glu267Lys)

Gene: STXBP2 (syntaxin binding protein 2; plus strand). Cytogenetic location: 19p13.2.
Variant type: single nucleotide variant.
Coding change: c.799G>A on transcript NM_006949.4 (MANE Select); coding-DNA position 799, G replaced by A.
Protein change: p.Glu267Lys; replaces glutamic acid 267 with lysine.
Molecular consequence: missense variant. On other transcripts: non-coding transcript variant (1).
Genome position (GRCh38, 1-based): chr19:7,642,433, G>A. VCF-style: chr19-7642433-G-A. GRCh37 (hg19) VCF-style: chr19-7707319-G-A.
Other names: c.790G>A, p.Glu264Lys (NM_001127396.3); c.832G>A, p.Glu278Lys (NM_001272034.2); c.799G>A (NM_006949.2); short protein forms E264K, E267K, E278K.
Identifiers: ClinVar variation 1404090 (VCV001404090.6), dbSNP rs745716844, ClinGen allele CA9143805.

ClinVar aggregate classification (germline): Uncertain significance. Review status: criteria provided, multiple submitters, no conflicts (2 of 4 stars). 2 submissions from 2 submitters: Uncertain significance (2). Last evaluated 2025-12-04.

Conditions:
Inborn genetic diseases. Identifiers: MedGen C0950123, MeSH D030342.
Familial hemophagocytic lymphohistiocytosis 5. Also called: STXBP2-Related Familial Hemophagocytic Lymphohistiocytosis (STXBP2-fHLH). Identifiers: Orphanet 540, MedGen C2751293, MONDO:0013135, OMIM 613101.

Allele frequency attached by ClinVar (database versions not stated): gnomAD exomes below 0.00001; ExAC 0.00001; gnomAD 0.00001; TOPMed 0.00002.

Submissions (2):

Ambry Genetics
Classification: Uncertain significance for Inborn genetic diseases. Last evaluated: 2025-12-04. Review status: criteria provided, single submitter. Criteria: Ambry Variant Classification Scheme 2023. Collection method: clinical testing. Allele origin: germline.

Labcorp Genetics (formerly Invitae), Labcorp
Classification: Uncertain significance for Familial hemophagocytic lymphohistiocytosis 5. Last evaluated: 2023-08-10. Review status: criteria provided, single submitter. Criteria: Invitae Variant Classification Sherloc (09022015). Collection method: clinical testing. Allele origin: germline.
Comment: In summary, the available evidence is currently insufficient to determine the role of this variant in disease. Therefore, it has been classified as a Variant of Uncertain Significance. Advanced modeling of protein sequence and biophysical properties (such as structural, functional, and spatial information, amino acid conservation, physicochemical variation, residue mobility, and thermodynamic stability) performed at Invitae indicates that this missense variant is not expected to disrupt STXBP2 protein function. ClinVar contains an entry for this variant (Variation ID: 1404090). This variant has not been reported in the literature in individuals affected with STXBP2-related conditions. This variant is not present in population databases (gnomAD no frequency). This sequence change replaces glutamic acid, which is acidic and polar, with lysine, which is basic and polar, at codon 267 of the STXBP2 protein (p.Glu267Lys).